The following is an entry in ClinVar:

ClinVar aggregate classification (germline): Pathogenic (1 of 4 stars; one submission).

Conditions:
Osteogenesis imperfecta type I (OI1). Also called: Lobstein disease; Classic Non-deforming Osteogenesis Imperfecta with Blue Sclerae; Osteogenesis imperfecta type 1; Lobstein's Disease; OI, TYPE I; OSTEOGENESIS IMPERFECTA TARDA. Identifiers: Orphanet 216796, Orphanet 666, MedGen C0023931, MONDO:0008146, OMIM 166200. Disease mechanism: loss of function.

Allele frequency attached by ClinVar (database versions not stated): gnomAD exomes below 0.00001.
gnomAD v4.1: 2 of 1,613,994 alleles (0.00012%); highest among the groups gnomAD compares: Non-Finnish European, 0.00017%; no homozygotes.

Submission:

Labcorp Genetics (formerly Invitae), Labcorp
Classification: Pathogenic for Osteogenesis imperfecta type I. Last evaluated: 2025-09-02. Review status: criteria provided, single submitter. Criteria: Invitae Variant Classification Sherloc (09022015). Collection method: clinical testing. Allele origin: germline.
Comment: This sequence change replaces arginine, which is basic and polar, with cysteine, which is neutral and slightly polar, at codon 733 of the COL1A1 protein (p.Arg733Cys). This variant is not present in population databases (gnomAD no frequency). This missense change has been observed in individual(s) with clinical features of autosomal dominant Ehlers-Danlos syndrome (PMID: 36896471; internal data). It has also been observed to segregate with disease in related individuals. ClinVar contains an entry for this variant (Variation ID: 571811). Invitae Evidence Modeling of protein sequence and biophysical properties (such as structural, functional, and spatial information, amino acid conservation, physicochemical variation, residue mobility, and thermodynamic stability) indicates that this missense variant is expected to disrupt COL1A1 protein function with a positive predictive value of 95%. For these reasons, this variant has been classified as Pathogenic.

Literature cited by the submitters: PubMed 36896471.

NM_000088.4(COL1A1):c.2197C>T (p.Arg733Cys)

Gene: COL1A1 (collagen type I alpha 1 chain; minus strand). Cytogenetic location: 17q21.33.
Variant type: single nucleotide variant.
Coding change: c.2197C>T on transcript NM_000088.4 (MANE Select); coding-DNA position 2197, C replaced by T.
Protein change: p.Arg733Cys; replaces arginine 733 with cysteine.
Molecular consequence: missense variant.
Genome position (GRCh38, 1-based): chr17:50,191,421, G>A on the plus strand (C>T on the coding strand, the complement: COL1A1 is on the minus strand). VCF-style: chr17-50191421-G-A. GRCh37 (hg19) VCF-style: chr17-48268782-G-A.
Other names: short protein forms R733C.
Identifiers: ClinVar variation 571811 (VCV000571811.7), dbSNP rs1567757112, ClinGen allele CA400210975.
Genomic context (GRCh38, chr17:50,191,421, plus strand): 5'-GGAGGGGGAAGGTTGAACTTACTCTGTCACCCTTAGGCCCTGGAAGACCAGCTGCACCAC[G>A]TTCACCAGGCATTCCCTGAAGGCCAGGGGCGCCCTGGCTACCGGGAGCTCCAGGGGCACC-3'
Protein context (NP_000079.2, residues 723-743): APGLQGMPGE[Arg733Cys]GAAGLPGPKG